The following is an entry in ClinVar:

ClinVar aggregate classification (germline): Uncertain significance (1 of 4 stars; one submission).

gnomAD v4.1: 7 of 1,613,822 alleles (0.00043%); highest among the groups gnomAD compares: Non-Finnish European, 0.00059%; no homozygotes.

Submission:

Mayo Clinic Laboratories, Mayo Clinic
Classification: Uncertain significance. Last evaluated: 2024-01-12. Review status: criteria provided, single submitter. Criteria: ACMG Guidelines, 2015. Collection method: clinical testing. Allele origin: germline. Observed: 1 variant allele.
Comment: PP3, PM2_moderate, PM3

NM_015346.4(ZFYVE26):c.3626G>A (p.Arg1209Lys)

Gene: ZFYVE26 (zinc finger FYVE-type containing 26; minus strand). Cytogenetic location: 14q24.1.
Variant type: single nucleotide variant.
Coding change: c.3626G>A on transcript NM_015346.4 (MANE Select); coding-DNA position 3626, G replaced by A.
Protein change: p.Arg1209Lys; replaces arginine 1209 with lysine.
Molecular consequence: missense variant.
Genome position (GRCh38, 1-based): chr14:67,784,334, C>T on the plus strand (G>A on the coding strand, the complement: ZFYVE26 is on the minus strand). VCF-style: chr14-67784334-C-T. GRCh37 (hg19) VCF-style: chr14-68251051-C-T.
Other names: p.Arg1209Lys; short protein forms R1209K.
Identifiers: ClinVar variation 3380214 (VCV003380214.1).
Genomic context (GRCh38, chr14:67,784,334, plus strand): 5'-GGCTATATTGATGAAATCATCCGAAGGCCCATGGCTGACTTGCATGGAGGTGGCTCCTAC[C>T]TCTCTGGGGGAACTTGTCTCTCAAACAGGAGATGTGACACCAGTTGGGAAGAGCTCTGTT-3'
Protein context (NP_056161.2, residues 1199-1219): LLFERQVPPE[Arg1209Lys]LAALLAQENL